The following is an entry in ClinVar:

ClinVar aggregate classification (germline): Uncertain significance (1 of 4 stars; one submission).

Conditions:
Hereditary breast ovarian cancer syndrome. Also called: Hereditary breast and ovarian cancer syndrome; Hereditary breast and ovarian cancer syndrome (HBOC); BRCA1- and BRCA2-Associated Hereditary Breast and Ovarian Cancer; Hereditary breast and ovarian cancer; Breast and ovarian cancer; Hereditary breast and/or ovarian cancer syndrome. Identifiers: Orphanet 145, MedGen C0677776, MeSH D061325, MONDO:0003582. Disease mechanism: loss of function.

Submission:

Labcorp Genetics (formerly Invitae), Labcorp
Classification: Uncertain significance for Hereditary breast ovarian cancer syndrome. Last evaluated: 2024-03-13. Review status: criteria provided, single submitter. Criteria: Invitae Variant Classification Sherloc (09022015). Collection method: clinical testing. Allele origin: germline.
Comment: This sequence change replaces asparagine, which is neutral and polar, with threonine, which is neutral and polar, at codon 2450 of the BRCA2 protein (p.Asn2450Thr). This variant is not present in population databases (gnomAD no frequency). This variant has not been reported in the literature in individuals affected with BRCA2-related conditions. Advanced modeling of protein sequence and biophysical properties (such as structural, functional, and spatial information, amino acid conservation, physicochemical variation, residue mobility, and thermodynamic stability) performed at Invitae indicates that this missense variant is not expected to disrupt BRCA2 protein function with a negative predictive value of 95%. In summary, the available evidence is currently insufficient to determine the role of this variant in disease. Therefore, it has been classified as a Variant of Uncertain Significance.

NM_000059.4(BRCA2):c.7349A>C (p.Asn2450Thr)

Gene: BRCA2 (BRCA2 DNA repair associated; plus strand). Cytogenetic location: 13q13.1.
Variant type: single nucleotide variant.
Coding change: c.7349A>C on transcript NM_000059.4 (MANE Select); coding-DNA position 7349, A replaced by C.
Protein change: p.Asn2450Thr; replaces asparagine 2450 with threonine.
Molecular consequence: missense variant. On other transcripts: non-coding transcript variant (1).
Genome position (GRCh38, 1-based): chr13:32,355,202, A>C. VCF-style: chr13-32355202-A-C. GRCh37 (hg19) VCF-style: chr13-32929339-A-C.
Other names: c.7253A>C, p.Asn2418Thr (NM_001406719.1); c.7349A>C, p.Asn2450Thr (NM_001406720.1, NM_001432077.1); c.2417A>C, p.Asn806Thr (NM_001406721.1); c.932A>C, p.Asn311Thr (NM_001406722.1); short protein forms N2450T, N2418T, N806T, N311T.
Identifiers: ClinVar variation 3636520 (VCV003636520.2).